The following is an entry in ClinVar:

ClinVar aggregate classification (germline): Uncertain significance (1 of 4 stars; one submission).

Conditions:
Hereditary cancer-predisposing syndrome. Also called: Neoplastic Syndromes, Hereditary; Tumor predisposition; Hereditary Cancer Syndrome; Hereditary neoplastic syndrome. Identifiers: Orphanet 140162, MedGen C0027672, MeSH D009386, MONDO:0015356.

Allele frequency attached by ClinVar (database versions not stated): gnomAD exomes below 0.00001; ExAC 0.00001.
gnomAD v4.1: 1 of 1,613,856 alleles (0.000062%); highest among the groups gnomAD compares: Non-Finnish European, 0.000085%; no homozygotes.

Submission:

Color Diagnostics, LLC DBA Color Health
Classification: Uncertain significance for Hereditary cancer-predisposing syndrome. Last evaluated: 2023-03-28. Review status: criteria provided, single submitter. Criteria: ACMG Guidelines, 2015. Collection method: clinical testing. Allele origin: germline.
Comment: This missense variant replaces lysine with arginine at codon 1834 of the ATM protein. Computational prediction suggests that this variant may not impact protein structure and function (internally defined REVEL score threshold <= 0.5, PMID: 27666373). To our knowledge, functional studies have not been reported for this variant. This variant has not been reported in individuals affected with ATM-related disorders in the literature. This variant has been identified in 1/250920 chromosomes in the general population by the Genome Aggregation Database (gnomAD). The available evidence is insufficient to determine the role of this variant in disease conclusively. Therefore, this variant is classified as a Variant of Uncertain Significance.

NM_000051.4(ATM):c.5501A>G (p.Lys1834Arg)

Gene: ATM (ATM serine/threonine kinase; plus strand). Cytogenetic location: 11q22.3.
Variant type: single nucleotide variant.
Coding change: c.5501A>G on transcript NM_000051.4 (MANE Select); coding-DNA position 5501, A replaced by G.
Protein change: p.Lys1834Arg; replaces lysine 1834 with arginine.
Molecular consequence: missense variant.
Genome position (GRCh38, 1-based): chr11:108,304,679, A>G. VCF-style: chr11-108304679-A-G. GRCh37 (hg19) VCF-style: chr11-108175406-A-G.
Other names: c.5501A>G, p.Lys1834Arg (NM_001351834.2); short protein forms K1834R.
Identifiers: ClinVar variation 2774686 (VCV002774686.2), dbSNP rs776122081, ClinGen allele CA6265722.
Genomic context (GRCh38, chr11:108,304,679, plus strand): 5'-ATTAATTTTACTCATTTTTACTCAAACTATTGGGTGGATTTGTTTGTATATTCTAGGTGA[A>G]AACTGACTTTTGTCAGACTGTACTTCCATACTTGATTCATGATATTTTACTCCAAGATAC-3'
Protein context (NP_000042.3, residues 1824-1844): LQLLKPMCEV[Lys1834Arg]TDFCQTVLPY